The following is an entry in ClinVar:

ClinVar aggregate classification (germline): Uncertain significance (1 of 4 stars; one submission).

Allele frequency attached by ClinVar (database versions not stated): gnomAD 0.00003; gnomAD exomes 0.00003.
gnomAD v4.1: 54 of 1,613,842 alleles (0.0033%); highest among the groups gnomAD compares: Non-Finnish European, 0.0043%; no homozygotes.

Submission:

Labcorp Genetics (formerly Invitae), Labcorp
Classification: Uncertain significance. Last evaluated: 2022-10-14. Review status: criteria provided, single submitter. Criteria: Invitae Variant Classification Sherloc (09022015). Collection method: clinical testing. Allele origin: germline.
Comment: This variant has not been reported in the literature in individuals affected with GANAB-related conditions. This variant is present in population databases (no rsID available, gnomAD 0.002%). This sequence change replaces valine, which is neutral and non-polar, with leucine, which is neutral and non-polar, at codon 789 of the GANAB protein (p.Val789Leu). In summary, the available evidence is currently insufficient to determine the role of this variant in disease. Therefore, it has been classified as a Variant of Uncertain Significance. Advanced modeling of protein sequence and biophysical properties (such as structural, functional, and spatial information, amino acid conservation, physicochemical variation, residue mobility, and thermodynamic stability) performed at Invitae indicates that this missense variant is not expected to disrupt GANAB protein function.

NM_198334.3(GANAB):c.2299G>C (p.Val767Leu)

Gene: GANAB (glucosidase II alpha subunit; minus strand). Cytogenetic location: 11q12.3.
Variant type: single nucleotide variant.
Coding change: c.2299G>C on transcript NM_198334.3 (MANE Select); coding-DNA position 2299, G replaced by C.
Protein change: p.Val767Leu; replaces valine 767 with leucine.
Molecular consequence: missense variant.
Genome position (GRCh38, 1-based): chr11:62,627,071, C>G on the plus strand (G>C on the coding strand, the complement: GANAB is on the minus strand). VCF-style: chr11-62627071-C-G. GRCh37 (hg19) VCF-style: chr11-62394543-C-G.
Other names: c.2023G>C, p.Val675Leu (NM_001278192.2); c.1957G>C, p.Val653Leu (NM_001278193.2); c.2008G>C, p.Val670Leu (NM_001278194.2, NM_001329222.2, NM_001329223.2); c.1576G>C, p.Val526Leu (NM_001329224.2, NM_001329225.2); c.2365G>C, p.Val789Leu (NM_198335.4); short protein forms V670L, V767L, V653L, V675L, V526L, V789L.
Identifiers: ClinVar variation 2174939 (VCV002174939.4), dbSNP rs1020057727, ClinGen allele CA223047026.